The following is an entry in ClinVar:

NM_024675.4(PALB2):c.3094A>G (p.Met1032Val)

Gene: PALB2 (partner and localizer of BRCA2; minus strand). Cytogenetic location: 16p12.2.
Variant type: single nucleotide variant.
Coding change: c.3094A>G on transcript NM_024675.4 (MANE Select); coding-DNA position 3094, A replaced by G.
Protein change: p.Met1032Val; replaces methionine 1032 with valine.
Molecular consequence: missense variant.
Genome position (GRCh38, 1-based): chr16:23,621,381, T>C on the plus strand (A>G on the coding strand, the complement: PALB2 is on the minus strand). VCF-style: chr16-23621381-T-C. GRCh37 (hg19) VCF-style: chr16-23632702-T-C.
Other names: short protein forms M1032V.
Identifiers: ClinVar variation 481034 (VCV000481034.15), dbSNP rs1555459367, ClinGen allele CA395142856.
Genomic context (GRCh38, chr16:23,621,381, plus strand): 5'-ACTACAGATGAGGGAACTGAGGACCTAGAGGGAAAGCTTACCAAATAACAATGTTGTTCA[T>C]AATAGTAGTACCAAGCAGAGCTTCTTGCATCCCTTGGACCTCAGCAAAAGTTAGTATAGT-3'
Protein context (NP_078951.2, residues 1022-1042): MQEALLGTTI[Met1032Val]NNIVIWNLKT

ClinVar aggregate classification (germline): Uncertain significance. Review status: criteria provided, multiple submitters, no conflicts (2 of 4 stars). 2 submissions from 2 submitters: Uncertain significance (2). Last evaluated 2025-07-21.

Conditions:
Familial cancer of breast. Also called: BREAST CANCER, FAMILIAL; Hereditary breast cancer; hereditary breast carcinoma. Identifiers: Orphanet 227535, MedGen C0346153, MONDO:0016419, OMIM 114480. Disease mechanism: loss of function.
Hereditary cancer-predisposing syndrome. Also called: Hereditary Cancer Syndrome; Neoplastic Syndromes, Hereditary; Tumor predisposition; Hereditary neoplastic syndrome. Identifiers: Orphanet 140162, MedGen C0027672, MeSH D009386, MONDO:0015356.

Allele frequency attached by ClinVar (database versions not stated): gnomAD exomes below 0.00001.

Submissions (2):

Labcorp Genetics (formerly Invitae), Labcorp
Classification: Uncertain significance for Familial cancer of breast. Last evaluated: 2025-07-21. Review status: criteria provided, single submitter. Criteria: Invitae Variant Classification Sherloc (09022015). Collection method: clinical testing. Allele origin: germline.
Comment: This sequence change replaces methionine, which is neutral and non-polar, with valine, which is neutral and non-polar, at codon 1032 of the PALB2 protein (p.Met1032Val). This variant is not present in population databases (gnomAD no frequency). This variant has not been reported in the literature in individuals affected with PALB2-related conditions. ClinVar contains an entry for this variant (Variation ID: 481034). Invitae Evidence Modeling of protein sequence and biophysical properties (such as structural, functional, and spatial information, amino acid conservation, physicochemical variation, residue mobility, and thermodynamic stability) indicates that this missense variant is not expected to disrupt PALB2 protein function with a negative predictive value of 80%. In summary, the available evidence is currently insufficient to determine the role of this variant in disease. Therefore, it has been classified as a Variant of Uncertain Significance.

Ambry Genetics
Classification: Uncertain significance for Hereditary cancer-predisposing syndrome. Last evaluated: 2024-07-26. Review status: criteria provided, single submitter. Criteria: Ambry Variant Classification Scheme 2023. Collection method: clinical testing. Allele origin: germline.
Comment: The p.M1032V variant (also known as c.3094A>G), located in coding exon 10 of the PALB2 gene, results from an A to G substitution at nucleotide position 3094. The methionine at codon 1032 is replaced by valine, an amino acid with highly similar properties. This amino acid position is not well conserved in available vertebrate species. In addition, this alteration is predicted to be tolerated by in silico analysis. Since supporting evidence is limited at this time, the clinical significance of this alteration remains unclear.